The following is an entry in ClinVar:

NM_000455.5(STK11):c.582C>A (p.Asp194Glu)

Gene: STK11 (serine/threonine kinase 11; plus strand). Cytogenetic location: 19p13.3.
Variant type: single nucleotide variant.
Coding change: c.582C>A on transcript NM_000455.5 (MANE Select); coding-DNA position 582, C replaced by A.
Protein change: p.Asp194Glu; replaces aspartic acid 194 with glutamic acid.
Molecular consequence: missense variant.
Genome position (GRCh38, 1-based): chr19:1,220,490, C>A. VCF-style: chr19-1220490-C-A. GRCh37 (hg19) VCF-style: chr19-1220489-C-A.
Other names: short protein forms D194E.
Identifiers: ClinVar variation 185384 (VCV000185384.19), dbSNP rs786202134, ClinGen allele CA023096.

ClinVar aggregate classification (germline): Likely pathogenic. Review status: criteria provided, multiple submitters, no conflicts (2 of 4 stars). 3 submissions from 3 submitters: Likely pathogenic (2). 1 of the submissions does not count toward it. Last evaluated 2024-08-20.

Conditions:
Hereditary cancer-predisposing syndrome. Also called: Tumor predisposition; Hereditary Cancer Syndrome; Hereditary neoplastic syndrome; Neoplastic Syndromes, Hereditary. Identifiers: Orphanet 140162, MedGen C0027672, MeSH D009386, MONDO:0015356.
Peutz-Jeghers syndrome (PJS). Also called: POLYPOSIS, HAMARTOMATOUS INTESTINAL; POLYPS-AND-SPOTS SYNDROME; Peutz-Jeghers polyposis; Periorificial lentiginosis syndrome. Identifiers: Orphanet 2869, MedGen C0031269, MeSH D010580, MONDO:0008280, OMIM 175200.

Submissions (3):

Labcorp Genetics (formerly Invitae), Labcorp
Classification: Likely pathogenic for Peutz-Jeghers syndrome. Last evaluated: 2024-08-20. Review status: criteria provided, single submitter. Criteria: Invitae Variant Classification Sherloc (09022015). Collection method: clinical testing. Allele origin: germline.
Comment: This sequence change replaces aspartic acid, which is acidic and polar, with glutamic acid, which is acidic and polar, at codon 194 of the STK11 protein (p.Asp194Glu). This variant is not present in population databases (gnomAD no frequency). This missense change has been observed in individual(s) with clinical features of Peutz-Jeghers syndrome (PMID: 21189378; Invitae). ClinVar contains an entry for this variant (Variation ID: 185384). Invitae Evidence Modeling of protein sequence and biophysical properties (such as structural, functional, and spatial information, amino acid conservation, physicochemical variation, residue mobility, and thermodynamic stability) indicates that this missense variant is expected to disrupt STK11 protein function with a positive predictive value of 95%. This variant disrupts the p.Asp194 amino acid residue in STK11. Other variant(s) that disrupt this residue have been determined to be pathogenic (PMID: 10408777, 12865922, 16287113, 16582077, 17026623, 20435009, 23399955, 23718779, 25226294). This suggests that this residue is clinically significant, and that variants that disrupt this residue are likely to be disease-causing. In summary, the currently available evidence indicates that the variant is pathogenic, but additional data are needed to prove that conclusively. Therefore, this variant has been classified as Likely Pathogenic.

Ambry Genetics
Classification: Likely pathogenic for Hereditary cancer-predisposing syndrome. Last evaluated: 2014-06-25. Review status: criteria provided, single submitter. Criteria: Ambry Variant Classification Scheme 2023. Collection method: clinical testing. Allele origin: germline.
Comment: The p.D194E variant (also known as c.582C>A), located in coding exon 4 of the STK11 gene, results from a C to A substitution at nucleotide position 582. The aspartic acid at codon 194 is replaced by glutamic acid, an amino acid with highly similar properties. This alteration was identified in an individual diagnosed with PJS, pancreatic cancer and liposarcoma (Klumpen, HJ et al. J Clin Oncol. 2011 Feb 20;29(6):e150-3; Korsse, SE et al. J Med Genet. 2013 Jan;50(1):59-64). This variant was not reported in population based cohorts in the following databases: Database of Single Nucleotide Polymorphisms (dbSNP), NHLBI Exome Sequencing Project (ESP), and 1000 Genomes Project. In the ESP, this variant was not observed in 6171 samples (12342 alleles) with coverage at this position. To date, this alteration has been detected with an allele frequency of approximately 0.003% (greater than 31,000 alleles tested) in our clinical cohort (includes this individual). Based on protein sequence alignment, this amino acid position is highly conserved in available vertebrate species. In addition, this alteration is predicted to be probably damaging and deleterious by PolyPhen and SIFT in silico analyses, respectively. Based on the majority of available evidence to date, this variant is likely to be pathogenic. Note, STK11 is also called LKB1 in some literature.

Mayo Clinic Laboratories, Mayo Clinic
Classification: Likely pathogenic. Review status: no assertion criteria provided. Collection method: clinical testing. Allele origin: unknown. Not counted in ClinVar's aggregate classification.

Literature cited by the submitters: PubMed 21189378 (cited by Labcorp Genetics (formerly Invitae), Labcorp); PubMed 10408777 (cited by Labcorp Genetics (formerly Invitae), Labcorp); PubMed 12865922 (cited by Labcorp Genetics (formerly Invitae), Labcorp); PubMed 16287113 (cited by Labcorp Genetics (formerly Invitae), Labcorp); PubMed 16582077 (cited by Labcorp Genetics (formerly Invitae), Labcorp); PubMed 17026623 (cited by Labcorp Genetics (formerly Invitae), Labcorp); PubMed 20435009 (cited by Labcorp Genetics (formerly Invitae), Labcorp); PubMed 23399955 (cited by Labcorp Genetics (formerly Invitae), Labcorp); PubMed 23718779 (cited by Labcorp Genetics (formerly Invitae), Labcorp); PubMed 25226294 (cited by Labcorp Genetics (formerly Invitae), Labcorp).